The following is an entry in ClinVar:

NM_003072.5(SMARCA4):c.4T>C (p.Ser2Pro)

Gene: SMARCA4 (SWI/SNF related BAF chromatin remodeling complex subunit ATPase 4; plus strand). Cytogenetic location: 19p13.2.
Variant type: single nucleotide variant.
Coding change: c.4T>C on transcript NM_003072.5 (MANE Select); coding-DNA position 4, T replaced by C.
Protein change: p.Ser2Pro; replaces serine 2 with proline.
Molecular consequence: missense variant. On other transcripts: non-coding transcript variant (1).
Genome position (GRCh38, 1-based): chr19:10,984,155, T>C. VCF-style: chr19-10984155-T-C. GRCh37 (hg19) VCF-style: chr19-11094831-T-C.
Other names: c.4T>C, p.Ser2Pro (NM_001374457.1, NM_001387283.1, NM_001411150.1 and 6 more transcripts); short protein forms S2P.
Identifiers: ClinVar variation 4825124 (VCV004825124.1).
Genomic context (GRCh38, chr19:10,984,155, plus strand): 5'-CCAGACTGACCAGGACTGTCTTCCAGCAGGAGGCCACTGTCTGCAGCTCCCGTGAAGATG[T>C]CCACTCCAGACCCACCCCTGGGCGGAACTCCTCGGCCAGGTCCTTCCCCGGGCCCTGGCC-3'
Protein context (NP_003063.2, residues 1-12): M[Ser2Pro]TPDPPLGGTP

ClinVar aggregate classification (germline): Uncertain significance (1 of 4 stars; one submission).

Conditions:
Hereditary cancer-predisposing syndrome. Also called: Neoplastic Syndromes, Hereditary; Tumor predisposition; Hereditary Cancer Syndrome; Hereditary neoplastic syndrome. Identifiers: Orphanet 140162, MedGen C0027672, MeSH D009386, MONDO:0015356.

Submission:

Ambry Genetics
Classification: Uncertain significance for Hereditary cancer-predisposing syndrome. Last evaluated: 2026-02-18. Review status: criteria provided, single submitter. Criteria: Ambry Variant Classification Scheme 2023. Collection method: clinical testing. Allele origin: germline.
Comment: The p.S2P variant (also known as c.4T>C), located in coding exon 1 of the SMARCA4 gene, results from a T to C substitution at nucleotide position 4. The serine at codon 2 is replaced by proline, an amino acid with similar properties. This amino acid position is well conserved in available vertebrate species. In addition, this alteration is predicted to be deleterious by in silico analysis. Based on the available evidence, the clinical significance of this variant remains unclear.